The following is an entry in ClinVar:

ClinVar aggregate classification (germline): Uncertain significance (1 of 4 stars; one submission).

Allele frequency attached by ClinVar (database versions not stated): gnomAD 0.00001; TOPMed 0.00001; ExAC 0.00001; gnomAD exomes below 0.00001.
gnomAD v4.1: 25 of 1,613,094 alleles (0.0015%); highest among the groups gnomAD compares: Non-Finnish European, 0.0021%; no homozygotes.

Submission:

Labcorp Genetics (formerly Invitae), Labcorp
Classification: Uncertain significance. Last evaluated: 2021-04-14. Review status: criteria provided, single submitter. Criteria: Invitae Variant Classification Sherloc (09022015). Collection method: clinical testing. Allele origin: germline.
Comment: This sequence change falls in intron 72 of the COL7A1 gene. It does not directly change the encoded amino acid sequence of the COL7A1 protein. It affects a nucleotide within the consensus splice site of the intron. This variant is present in population databases (rs749607047, ExAC 0.002%). This variant has not been reported in the literature in individuals with COL7A1-related conditions. Nucleotide substitutions within the consensus splice site are a relatively common cause of aberrant splicing (PMID: 17576681, 9536098). Algorithms developed to predict the effect of sequence changes on RNA splicing suggest that this variant may disrupt the consensus splice site, but this prediction has not been confirmed by published transcriptional studies. In summary, the available evidence is currently insufficient to determine the role of this variant in disease. Therefore, it has been classified as a Variant of Uncertain Significance.

Literature cited by the submitters: PubMed 17576681; PubMed 9536098.

NM_000094.4(COL7A1):c.5979+4A>T

Gene: COL7A1 (collagen type VII alpha 1 chain; minus strand). Cytogenetic location: 3p21.31.
Variant type: single nucleotide variant.
Coding change: c.5979+4A>T on transcript NM_000094.4 (MANE Select); 4 bases into the intron after coding-DNA position 5979, A replaced by T.
Molecular consequence: intron variant.
Genome position (GRCh38, 1-based): chr3:48,575,622, T>A on the plus strand (A>T on the coding strand, the complement: COL7A1 is on the minus strand). VCF-style: chr3-48575622-T-A. GRCh37 (hg19) VCF-style: chr3-48613055-T-A.
Identifiers: ClinVar variation 1366752 (VCV001366752.3), dbSNP rs749607047, ClinGen allele CA2379235.